The following is an entry in ClinVar:

NM_000321.3(RB1):c.1916A>G (p.Gln639Arg)

Gene: RB1 (RB transcriptional corepressor 1; plus strand). Cytogenetic location: 13q14.2.
Variant type: single nucleotide variant.
Coding change: c.1916A>G on transcript NM_000321.3 (MANE Select); coding-DNA position 1916, A replaced by G.
Protein change: p.Gln639Arg; replaces glutamine 639 with arginine.
Molecular consequence: missense variant.
Genome position (GRCh38, 1-based): chr13:48,456,305, A>G. VCF-style: chr13-48456305-A-G. GRCh37 (hg19) VCF-style: chr13-49030441-A-G.
Other names: short protein forms Q639R.
Identifiers: ClinVar variation 835468 (VCV000835468.13), dbSNP rs775880919, ClinGen allele CA033033.
Genomic context (GRCh38, chr13:48,456,305, plus strand): 5'-CTACGCGTGTAAATTCTACTGCAAATGCAGAGACACAAGCAACCTCAGCCTTCCAGACCC[A>G]GAAGCCATTGAAATCTACCTCTCTTTCACTGTTTTATAAAAAAGGTTAGTAGATGATTAT-3'
Protein context (NP_000312.2, residues 629-649): ETQATSAFQT[Gln639Arg]KPLKSTSLSL

ClinVar aggregate classification (germline): Uncertain significance. Review status: criteria provided, multiple submitters, no conflicts (2 of 4 stars). 2 submissions from 2 submitters: Uncertain significance (2). Last evaluated 2025-11-05.

Conditions:
Hereditary cancer-predisposing syndrome. Also called: Hereditary neoplastic syndrome; Neoplastic Syndromes, Hereditary; Tumor predisposition; Hereditary Cancer Syndrome. Identifiers: Orphanet 140162, MedGen C0027672, MeSH D009386, MONDO:0015356.
Retinoblastoma (RB1). Also called: RETINOBLASTOMA, SOMATIC. Identifiers: Orphanet 790, MedGen C0035335, MeSH D012175, MONDO:0008380, OMIM 180200, HP:0009919. Disease mechanism: loss of function. Inheritance: Both sporadic and heritable forms are tested..

Allele frequency attached by ClinVar (database versions not stated): gnomAD exomes below 0.00001; ExAC 0.00001.
gnomAD v4.1: 6 of 1,614,254 alleles (0.00037%); highest among the groups gnomAD compares: Non-Finnish European, 0.00051%; no homozygotes.

Submissions (2):

Labcorp Genetics (formerly Invitae), Labcorp
Classification: Uncertain significance for Retinoblastoma. Last evaluated: 2025-11-05. Review status: criteria provided, single submitter. Criteria: Invitae Variant Classification Sherloc (09022015). Collection method: clinical testing. Allele origin: germline.
Comment: This sequence change replaces glutamine, which is neutral and polar, with arginine, which is basic and polar, at codon 639 of the RB1 protein (p.Gln639Arg). This variant is present in population databases (rs775880919, gnomAD 0.0009%). This variant has not been reported in the literature in individuals affected with RB1-related conditions. ClinVar contains an entry for this variant (Variation ID: 835468). Invitae Evidence Modeling of protein sequence and biophysical properties (such as structural, functional, and spatial information, amino acid conservation, physicochemical variation, residue mobility, and thermodynamic stability) indicates that this missense variant is not expected to disrupt RB1 protein function with a negative predictive value of 80%. In summary, the available evidence is currently insufficient to determine the role of this variant in disease. Therefore, it has been classified as a Variant of Uncertain Significance.

Ambry Genetics
Classification: Uncertain significance for Hereditary cancer-predisposing syndrome. Last evaluated: 2024-10-13. Review status: criteria provided, single submitter. Criteria: Ambry Variant Classification Scheme 2023. Collection method: clinical testing. Allele origin: germline.
Comment: The p.Q639R variant (also known as c.1916A>G), located in coding exon 19 of the RB1 gene, results from an A to G substitution at nucleotide position 1916. The glutamine at codon 639 is replaced by arginine, an amino acid with highly similar properties. This amino acid position is well conserved in available vertebrate species. In addition, the in silico prediction for this alteration is inconclusive. Since supporting evidence is limited at this time, the clinical significance of this alteration remains unclear.